The following is an entry in ClinVar:

ClinVar aggregate classification (germline): Likely pathogenic (1 of 4 stars; one submission).

Conditions:
Nail-patella syndrome (NPS). Also called: FONG DISEASE; ONYCHOOSTEODYSPLASIA; TURNER-KIESER SYNDROME. Identifiers: Orphanet 2614, MedGen C0027341, MONDO:0008061, OMIM 161200.

Submission:

3billion
Classification: Likely pathogenic for Nail-patella syndrome. Last evaluated: 2025-06-12. Review status: criteria provided, single submitter. Criteria: ACMG Guidelines, 2015. Collection method: clinical testing. Allele origin: germline. Affected: yes.
Comment: The variant is not observed in the gnomAD v4.1.0 dataset. Predicted Consequence/Location: Stop-gained (nonsense): predicted to result in a loss or disruption of normal protein function through nonsense-mediated decay (NMD) or protein truncation. Multiple pathogenic variants are reported downstream of the variant. Therefore, this variant is classified as Likely pathogenic according to the recommendation of ACMG/AMP guideline.

NM_001174147.2(LMX1B):c.547G>T (p.Glu183Ter)

Gene: LMX1B (LIM homeobox transcription factor 1 beta; plus strand). Cytogenetic location: 9q33.3.
Variant type: single nucleotide variant.
Coding change: c.547G>T on transcript NM_001174147.2 (MANE Select); coding-DNA position 547, G replaced by T.
Protein change: p.Glu183Ter; replaces glutamic acid 183 with a stop codon.
Molecular consequence: nonsense.
Genome position (GRCh38, 1-based): chr9:126,691,056, G>T. VCF-style: chr9-126691056-G-T. GRCh37 (hg19) VCF-style: chr9-129453335-G-T.
Other names: c.547G>T, p.Glu183Ter (NM_001174146.2, NM_002316.4); short protein forms E183*.
Identifiers: ClinVar variation 4855979 (VCV004855979.1).